The following is an entry in ClinVar:

ClinVar aggregate classification (germline): Benign/Likely benign. Review status: criteria provided, multiple submitters, no conflicts (2 of 4 stars). 3 submissions from 3 submitters: Benign (2); Likely benign (1). Last evaluated 2025-12-02.

Conditions:
Focal segmental glomerulosclerosis 5 (FSGS5). Identifiers: Orphanet 656, MedGen C2750475, MONDO:0013191, OMIM 613237.
Charcot-Marie-Tooth disease dominant intermediate E. Also called: CHARCOT-MARIE-TOOTH NEUROPATHY WITH FOCAL SEGMENTAL GLOMERULONEPHRITIS. Identifiers: Orphanet 93114, MedGen C4302667, MONDO:0013758, OMIM 614455.

Allele frequency attached by ClinVar (database versions not stated): gnomAD exomes 0.00002 and 0.00007; TOPMed 0.00004; ExAC 0.00007; gnomAD 0.00008 and 0.00009.

Submissions (3):

Women's Health and Genetics/Laboratory Corporation of America, LabCorp
Classification: Benign. Last evaluated: 2025-12-02. Review status: criteria provided, single submitter. Criteria: LabCorp Variant Classification Summary - May 2015. Collection method: clinical testing. Allele origin: germline.

Labcorp Genetics (formerly Invitae), Labcorp
Classification: Benign for Charcot-Marie-Tooth disease dominant intermediate E; Focal segmental glomerulosclerosis 5. Last evaluated: 2025-09-10. Review status: criteria provided, single submitter. Criteria: Invitae Variant Classification Sherloc (09022015). Collection method: clinical testing. Allele origin: germline.

Illumina Laboratory Services, Illumina
Classification: Likely benign for Focal segmental glomerulosclerosis 5. Last evaluated: 2018-01-13. Review status: criteria provided, single submitter. Criteria: ICSL Variant Classification Criteria 13 December 2019. Collection method: clinical testing. Allele origin: germline.
Comment: This variant was observed in the ICSL laboratory as part of a predisposition screen in an ostensibly healthy population. It had not been previously curated by ICSL or reported in the Human Gene Mutation Database (HGMD: prior to June 1st, 2018), and was therefore a candidate for classification through an automated scoring system. Utilizing variant allele frequency, disease prevalence and penetrance estimates, and inheritance mode, an automated score was calculated to assess if this variant is too frequent to cause the disease. Based on the score and internal cut-off values, a variant classified as likely benign is not then subjected to further curation. The score for this variant resulted in a classification of likely benign for this disease.

NM_022489.4(INF2):c.2053-13C>T

Gene: INF2 (inverted formin 2; plus strand). Cytogenetic location: 14q32.33.
Variant type: single nucleotide variant.
Coding change: c.2053-13C>T on transcript NM_022489.4 (MANE Select); 13 bases into the intron before coding-DNA position 2053, C replaced by T.
Molecular consequence: intron variant.
Genome position (GRCh38, 1-based): chr14:104,709,607, C>T. VCF-style: chr14-104709607-C-T. GRCh37 (hg19) VCF-style: chr14-105175944-C-T.
Other names: c.2053-13C>T (NM_001031714.4).
Identifiers: ClinVar variation 881067 (VCV000881067.12), dbSNP rs753775095, ClinGen allele CA7372812.